The following is an entry in ClinVar:

ClinVar aggregate classification (germline): Uncertain significance (1 of 4 stars; one submission).

Submission:

Women's Health and Genetics/Laboratory Corporation of America, LabCorp
Classification: Uncertain significance. Last evaluated: 2024-01-04. Review status: criteria provided, single submitter. Criteria: LabCorp Variant Classification Summary - May 2015. Collection method: clinical testing. Allele origin: germline.
Comment: Variant summary: TKT c.1016_1019dupATGG (p.Asp341TrpfsX27) results in a premature termination codon and is predicted to cause absence of the protein due to nonsense mediated decay, however the molecular mechanism of disease attributed to TKT is currently unknown. The variant allele was found at a frequency of 4e-06 in 251394 control chromosomes (gnomAD). The available data on variant occurrences in the general population are insufficient to allow any conclusion about variant significance. To our knowledge, no occurrence of c.1016_1019dupATGG in individuals affected with Transketolase Deficiency and no experimental evidence demonstrating its impact on protein function have been reported. No submitters have cited clinical-significance assessments for this variant to ClinVar after 2014. Based on the evidence outlined above, the variant was classified as uncertain significance.

NM_001064.4(TKT):c.1016_1019dup (p.Asp341fs)

Gene: TKT (transketolase; minus strand). Cytogenetic location: 3p21.1.
Variant type: Duplication.
Coding change: c.1016_1019dup on transcript NM_001064.4 (MANE Select); coding-DNA positions 1016 to 1019, 4 bases duplicated (ATGG; older notation c.1016_1019dupATGG).
Protein change: p.Asp341fs; shifts the reading frame from aspartic acid 341.
Molecular consequence: frameshift variant. On other transcripts: non-coding transcript variant (1).
Genome position (GRCh38, 1-based): chr3:53,230,545-53,230,548, CCAT duplicated on the plus strand (ATGG on the coding strand, the reverse complement: TKT is on the minus strand); duplicating any 4 consecutive bases within chr3:53,230,545-53,230,551 gives the same sequence; the c. name uses the placement nearest the transcript's 3' end. VCF-style (leftmost placement, unchanged base first): chr3-53230544-C-CCCAT. GRCh37 (hg19) VCF-style: chr3-53264560-C-CCCAT.
Other names: c.1016_1019dup, p.Asp341fs (NM_001135055.3); c.1040_1043dup, p.Asp349fs (NM_001258028.2); c.1016_1019dupATGG (NM_001135055.3); short protein forms D341fs, D349fs.
Identifiers: ClinVar variation 3063759 (VCV003063759.1), dbSNP rs1559647354, ClinGen allele CA542929154.